The following is an entry in ClinVar:

ClinVar aggregate classification (germline): Likely benign. Review status: criteria provided, multiple submitters, no conflicts (2 of 4 stars). 2 submissions from 2 submitters: Likely benign (2). Last evaluated 2025-09-11.

Allele frequency attached by ClinVar (database versions not stated): gnomAD exomes 0.00001; TOPMed below 0.00001; ExAC 0.00002.
gnomAD v4.1: 18 of 1,613,910 alleles (0.0011%); highest among the groups gnomAD compares: Non-Finnish European, 0.0013%; no homozygotes.

Submissions (2):

Mayo Clinic Laboratories, Mayo Clinic
Classification: Likely benign. Last evaluated: 2025-09-11. Review status: criteria provided, single submitter. Criteria: ACMG Guidelines, 2015. Collection method: clinical testing. Allele origin: germline. Observed: 1 variant allele.
Comment: BP4, BP7

Labcorp Genetics (formerly Invitae), Labcorp
Classification: Likely benign. Last evaluated: 2018-03-29. Review status: criteria provided, single submitter. Criteria: Invitae Variant Classification Sherloc (09022015). Collection method: clinical testing. Allele origin: germline.

NM_000447.3(PSEN2):c.414C>T (p.Ser138=)

Gene: PSEN2 (presenilin 2; plus strand). Cytogenetic location: 1q42.13.
Variant type: single nucleotide variant.
Coding change: c.414C>T on transcript NM_000447.3 (MANE Select); coding-DNA position 414, C replaced by T.
Protein change: p.Ser138=; no amino-acid change (serine 138 retained).
Molecular consequence: synonymous variant.
Genome position (GRCh38, 1-based): chr1:226,885,595, C>T. VCF-style: chr1-226885595-C-T. GRCh37 (hg19) VCF-style: chr1-227073296-C-T.
Other names: p.Ser138=; c.414C>T, p.Ser138= (NM_012486.3).
Identifiers: ClinVar variation 736605 (VCV000736605.4), dbSNP rs747738607, ClinGen allele CA1424513.